The following is an entry in ClinVar:

NM_001130009.3(GEN1):c.395C>T (p.Ala132Val)

Gene: GEN1 (GEN1 structure-specific endonuclease; plus strand). Cytogenetic location: 2p24.2.
Variant type: single nucleotide variant.
Coding change: c.395C>T on transcript NM_001130009.3 (MANE Select); coding-DNA position 395, C replaced by T.
Protein change: p.Ala132Val; replaces alanine 132 with valine.
Molecular consequence: missense variant.
Genome position (GRCh38, 1-based): chr2:17,764,943, C>T. VCF-style: chr2-17764943-C-T. GRCh37 (hg19) VCF-style: chr2-17946210-C-T.
Other names: c.395C>T, p.Ala132Val (NM_182625.5); short protein forms A132V.
Identifiers: ClinVar variation 5022342 (VCV005022342.1).

ClinVar aggregate classification (germline): Uncertain significance (1 of 4 stars; one submission).

Submission:

Ambry Genetics
Classification: Uncertain significance. Last evaluated: 2026-08-24. Review status: criteria provided, single submitter. Criteria: Ambry Variant Classification Scheme 2023. Collection method: clinical testing. Allele origin: germline.
Comment: The p.A132V variant (also known as c.395C>T), located in coding exon 3 of the GEN1 gene, results from a C to T substitution at nucleotide position 395. The alanine at codon 132 is replaced by valine, an amino acid with similar properties. This amino acid position is conserved. In addition, the in silico prediction for this alteration is inconclusive. Based on the available evidence, the clinical significance of this variant remains unclear.